The following is an entry in ClinVar:

NM_000035.4(ALDOB):c.-6G>A

Gene: ALDOB (aldolase, fructose-bisphosphate B; minus strand). Cytogenetic location: 9q31.1.
Variant type: single nucleotide variant.
Coding change: c.-6G>A on transcript NM_000035.4 (MANE Select); 6 bases upstream of the start codon, G replaced by A.
Molecular consequence: 5 prime UTR variant.
Genome position (GRCh38, 1-based): chr9:101,430,893, C>T on the plus strand (G>A on the coding strand, the complement: ALDOB is on the minus strand). VCF-style: chr9-101430893-C-T. GRCh37 (hg19) VCF-style: chr9-104193175-C-T.
Identifiers: ClinVar variation 4992442 (VCV004992442.1).
Genomic context (GRCh38, chr9:101,430,893, plus strand): 5'-TTTCTGAGAGCTCCTTCTTCTGCTCCTGGGTGAGGGCTGGAAATCGGTGGGCCATGGTGA[C>T]AGGTCTGGAAAAGAGTGTGCGAGAGTTGTGCACAGAACCATGGGTGGCTCAGATGGATGC-3'

ClinVar aggregate classification (germline): Likely benign (1 of 4 stars; one submission).

Conditions:
ALDOB-related disorder. Also called: ALDOB-related condition.

gnomAD v4.1: 1 of 1,608,828 alleles (0.000062%); highest among the groups gnomAD compares: Non-Finnish European, 0.000085%; no homozygotes.

Submission:

PreventionGenetics, part of Exact Sciences
Classification: Likely benign for ALDOB-related condition. Last evaluated: 2025-11-26. Review status: criteria provided, single submitter. Criteria: ACMG Guidelines, 2015. Collection method: clinical testing. Allele origin: germline.
Comment: This variant is classified as likely benign based on ACMG/AMP sequence variant interpretation guidelines (Richards et al. 2015 PMID: 25741868, with internal and published modifications).